The following is an entry in ClinVar:

ClinVar aggregate classification (germline): Uncertain significance (1 of 4 stars; one submission).

Conditions:
Wilson disease (WND). Also called: Wilson's disease. Identifiers: Orphanet 905, MedGen C0019202, MONDO:0010200, OMIM 277900. Disease mechanism: loss of function.

gnomAD v4.1: 1 of 1,614,132 alleles (0.000062%); no homozygotes.

Submission:

Color Diagnostics, LLC DBA Color Health
Classification: Uncertain significance for Wilson disease. Last evaluated: 2025-05-12. Review status: criteria provided, single submitter. Criteria: ACMG Guidelines, 2015. Collection method: clinical testing. Allele origin: germline.
Comment: This missense variant replaces serine with phenylalanine at codon 577 of the ATP7B protein. Computational prediction suggests that this variant may have deleterious impact on protein structure and function. To our knowledge, functional studies have not been reported for this variant. This variant has not been reported in individuals affected with ATP7B-related disorders in the literature. This variant has not been identified in the general population by the Genome Aggregation Database (gnomAD). The available evidence is insufficient to determine the role of this variant in disease conclusively. Therefore, this variant is classified as a Variant of Uncertain Significance.

NM_000053.4(ATP7B):c.1730C>T (p.Ser577Phe)

Gene: ATP7B (ATPase copper transporting beta; minus strand). Cytogenetic location: 13q14.3.
Variant type: single nucleotide variant.
Coding change: c.1730C>T on transcript NM_000053.4 (MANE Select); coding-DNA position 1730, C replaced by T.
Protein change: p.Ser577Phe; replaces serine 577 with phenylalanine.
Molecular consequence: missense variant. On other transcripts: intron variant (3).
Genome position (GRCh38, 1-based): chr13:51,965,011, G>A on the plus strand (C>T on the coding strand, the complement: ATP7B is on the minus strand). VCF-style: chr13-51965011-G-A. GRCh37 (hg19) VCF-style: chr13-52539147-G-A.
Other names: c.1730C>T, p.Ser577Phe (NM_001005918.3, NM_001330578.2, NM_001330579.2 and 24 more transcripts); c.1397C>T, p.Ser466Phe (NM_001243182.2); c.1697C>T, p.Ser566Phe (NM_001406514.1, NM_001406524.1); c.1634C>T, p.Ser545Phe (NM_001406517.1, NM_001406518.1, NM_001406536.1 and 3 more transcripts); c.1301C>T, p.Ser434Phe (NM_001406539.1); c.1285+8924C>T (NM_001406548.1); c.1707+3433C>T (NM_001406547.1, NM_001406545.1); short protein forms S434F, S466F, S545F, S566F, S577F.
Identifiers: ClinVar variation 4756781 (VCV004756781.1).